The following is an entry in ClinVar:

NM_000444.6(PHEX):c.2078G>A (p.Cys693Tyr)

Genes: PHEX (phosphate regulating endopeptidase X-linked; plus strand), PTCHD1-AS (PTCHD1 and PHEX antisense RNA; minus strand). Cytogenetic location: Xp22.11.
Variant type: single nucleotide variant.
Coding change: c.2078G>A on transcript NM_000444.6 (MANE Select); coding-DNA position 2078, G replaced by A.
Protein change: p.Cys693Tyr; replaces cysteine 693 with tyrosine.
Molecular consequence: missense variant. On other transcripts: intron variant (1).
Genome position (GRCh38, 1-based): chrX:22,245,340, G>A. VCF-style: chrX-22245340-G-A. GRCh37 (hg19) VCF-style: chrX-22263457-G-A.
Other names: c.2071-2511G>A (NM_001282754.2); short protein forms C693Y.
Identifiers: ClinVar variation 438513 (VCV000438513.12), dbSNP rs1556200989, ClinGen allele CA412575179.

ClinVar aggregate classification (germline): Pathogenic/Likely pathogenic. Review status: criteria provided, multiple submitters, no conflicts (2 of 4 stars). 4 submissions from 4 submitters: Pathogenic (2); Likely pathogenic (1). 1 of the submissions does not count toward it. Last evaluated 2023-07-22.

Conditions:
Familial X-linked hypophosphatemic vitamin D refractory rickets (XLHRD). Also called: Hypophosphatemia, vitamin D-resistant rickets; Vitamin D-resistant rickets, X-linked; X-Linked Hypophosphatemia; HYPOPHOSPHATEMIC VITAMIN D-RESISTANT RICKETS; Hypophosphatemic Rickets, X-Linked Dominant. Identifiers: Orphanet 89936, MedGen C0733682, MONDO:0010619, OMIM 307800.
PHEX-related disorder. Also called: PHEX-related condition.
Childhood hypophosphatasia. Identifiers: Orphanet 247667, Orphanet 436, MedGen C0220743, MONDO:1010168, OMIM 241510, MONDO:0009428.

Submissions (4):

Labcorp Genetics (formerly Invitae), Labcorp
Classification: Pathogenic. Last evaluated: 2023-07-22. Review status: criteria provided, single submitter. Criteria: Invitae Variant Classification Sherloc (09022015). Collection method: clinical testing. Allele origin: germline.
Comment: This sequence change replaces cysteine, which is neutral and slightly polar, with tyrosine, which is neutral and polar, at codon 693 of the PHEX protein (p.Cys693Tyr). This variant is not present in population databases (gnomAD no frequency). This missense change has been observed in individuals with hypophosphatemic rickets (PMID: 10737991, 30682568; Invitae). ClinVar contains an entry for this variant (Variation ID: 438513). Advanced modeling of protein sequence and biophysical properties (such as structural, functional, and spatial information, amino acid conservation, physicochemical variation, residue mobility, and thermodynamic stability) performed at Invitae indicates that this missense variant is expected to disrupt PHEX protein function. This variant disrupts the p.Cys693 amino acid residue in PHEX. Other variant(s) that disrupt this residue have been observed in individuals with PHEX-related conditions (PMID: 23079138, 30682568), which suggests that this may be a clinically significant amino acid residue. For these reasons, this variant has been classified as Pathogenic.

Blueprint Genetics
Classification: Likely pathogenic for PHEX-related disorders. Last evaluated: 2018-03-13. Review status: criteria provided, single submitter. Criteria: ACMG Guidelines, 2015. Collection method: clinical testing. Allele origin: germline. Affected: yes. Observed: 1 variant allele.

Institute of Human Genetics Munich, TUM University Hospital
Classification: Pathogenic for Familial X-linked hypophosphatemic vitamin D refractory rickets. Last evaluated: 2013-10-31. Review status: criteria provided, single submitter. Criteria: Classification criteria August 2017. Collection method: clinical testing. Allele origin: paternal, germline. Inheritance: X-linked inheritance. Affected: yes. Observed: 1 heterozygote, 1 hemizygote.

Department of Pediatric Endocrinology, Shriners Hospitals for Children - Mexico City
No classification provided. Condition: Childhood hypophosphatasia. Review status: no classification provided. Collection method: phenotyping only. Allele origin: germline. Inheritance: X-linked dominant inheritance. Affected: yes. Observed: 1 variant allele, 1 hemizygote. Not counted in ClinVar's aggregate classification.

Literature cited by the submitters: PubMed 10737991 (cited by Labcorp Genetics (formerly Invitae), Labcorp); PubMed 30682568 (cited by Labcorp Genetics (formerly Invitae), Labcorp); PubMed 23079138 (cited by Labcorp Genetics (formerly Invitae), Labcorp).